The following is an entry in ClinVar:

ClinVar aggregate classification (germline): Likely pathogenic (1 of 4 stars; one submission).

Conditions:
Acroerythrokeratoderma (MDM). Also called: KERATOSIS PALMOPLANTARIS TRANSGREDIENS OF SIEMENS; Mal de Meleda; Meleda disease; PALMOPLANTAR KERATODERMA, NORRBOTTEN RECESSIVE TYPE; PALMOPLANTAR KERATODERMA, GAMBORG NIELSEN TYPE. Identifiers: Orphanet 87503, MedGen C0025221, MONDO:0009552, OMIM 248300.

Submission:

Lifecell International Pvt. Ltd
Classification: Likely pathogenic for Acroerythrokeratoderma. Review status: criteria provided, single submitter. Criteria: ACMG Guidelines, 2015. Collection method: clinical testing. Allele origin: germline. Inheritance: Autosomal recessive inheritance. Affected: yes. Observed: 1 homozygote.
Comment: A Homozygote Nonsense variant c.111C>A in Exon 2 of the SLURP1 gene that results in the amino acid substitution p.Cys37* was identified. The observed variant is novel in gnomAD exomes and genomes. The severity of the impact of this variant on the protein is high, based on the effect of the protein and REVEL score. Rare Exome Variant Ensemble Learner (REVEL) is an ensembl method for predicting the pathogenicity of missense variants based on a combination of scores from 13 individual tools: MutPred, FATHMM v2.3, VEST 3.0, PolyPhen-2, SIFT, PROVEAN, MutationAssessor, MutationTaster, LRT, GERP++, SiPhy, phyloP, and phastCons. The REVEL score for an individual missense variant can range from 0 to 1, with higher scores reflecting greater likelihood that the variant is disease-causing. For these reasons, this variant has been classified as Likely Pathogenic.

NM_020427.3(SLURP1):c.111C>A (p.Cys37Ter)

Gene: SLURP1 (secreted LY6/PLAUR domain containing 1; minus strand). Cytogenetic location: 8q24.3.
Variant type: single nucleotide variant.
Coding change: c.111C>A on transcript NM_020427.3 (MANE Select); coding-DNA position 111, C replaced by A.
Protein change: p.Cys37Ter; replaces cysteine 37 with a stop codon.
Molecular consequence: nonsense.
Genome position (GRCh38, 1-based): chr8:142,741,870, G>T on the plus strand (C>A on the coding strand, the complement: SLURP1 is on the minus strand). VCF-style: chr8-142741870-G-T. GRCh37 (hg19) VCF-style: chr8-143823288-G-T.
Other names: short protein forms C37*.
Identifiers: ClinVar variation 2446436 (VCV002446436.2), dbSNP rs1324633355, ClinGen allele CA372386922.